The following is an entry in ClinVar:

NM_000340.2(SLC2A2):c.497-2A>G

Gene: SLC2A2 (solute carrier family 2 member 2; minus strand). Cytogenetic location: 3q26.2.
Variant type: single nucleotide variant.
Coding change: c.497-2A>G on transcript NM_000340.2 (MANE Select); the canonical splice acceptor site of the intron before coding-DNA position 497, A replaced by G.
Molecular consequence: splice acceptor variant.
Genome position (GRCh38, 1-based): chr3:171,007,265, T>C on the plus strand (A>G on the coding strand, the complement: SLC2A2 is on the minus strand). VCF-style: chr3-171007265-T-C. GRCh37 (hg19) VCF-style: chr3-170725054-T-C.
Other names: c.140-2A>G (NM_001278658.2); c.-23-2A>G (NM_001278659.2).
Identifiers: ClinVar variation 850431 (VCV000850431.12), dbSNP rs1318756243, ClinGen allele CA355490798.

ClinVar aggregate classification (germline): Pathogenic/Likely pathogenic. Review status: criteria provided, multiple submitters, no conflicts (2 of 4 stars). 3 submissions from 3 submitters: Pathogenic (2); Likely pathogenic (1). Last evaluated 2025-06-12.

Conditions:
Type 2 diabetes mellitus. Also called: Type II diabetes mellitus. Identifiers: MedGen C0011860, MeSH D003924, MONDO:0005148, OMIM 125853, HP:0005978.
Fanconi-Bickel syndrome (FBS). Also called: FANCONI SYNDROME WITH INTESTINAL MALABSORPTION AND GALACTOSE INTOLERANCE; HEPATIC GLYCOGENOSIS WITH AMINO ACIDURIA AND GLUCOSURIA; HEPATIC GLYCOGENOSIS WITH FANCONI NEPHROPATHY; HEPATORENAL GLYCOGENOSIS WITH RENAL FANCONI SYNDROME; PSEUDO-PHLORIZIN DIABETES; Glycogen storage disease due to GLUT2 deficiency. Identifiers: Orphanet 2088, MedGen C3495427, MONDO:0009216, OMIM 227810.

Allele frequency attached by ClinVar (database versions not stated): TOPMed 0.00001.
gnomAD v4.1: 3 of 1,567,040 alleles (0.00019%); highest among the groups gnomAD compares: African/African-American, 0.0014%; no homozygotes.

Submissions (3):

Labcorp Genetics (formerly Invitae), Labcorp
Classification: Pathogenic for Fanconi-Bickel syndrome. Last evaluated: 2025-06-12. Review status: criteria provided, single submitter. Criteria: Invitae Variant Classification Sherloc (09022015). Collection method: clinical testing. Allele origin: germline.
Comment: This sequence change affects an acceptor splice site in intron 4 of the SLC2A2 gene. It is expected to disrupt RNA splicing. Variants that disrupt the donor or acceptor splice site typically lead to a loss of protein function (PMID: 16199547), and loss-of-function variants in SLC2A2 are known to be pathogenic (PMID: 11810292). This variant is not present in population databases (gnomAD no frequency). Disruption of this splice site has been observed in individual(s) with Fanconi-Bickel Syndrome (PMID: 22865906). It has also been observed to segregate with disease in related individuals. ClinVar contains an entry for this variant (Variation ID: 850431). Algorithms developed to predict the effect of sequence changes on RNA splicing suggest that this variant may disrupt the consensus splice site. For these reasons, this variant has been classified as Pathogenic.

Fulgent Genetics
Classification: Likely pathogenic for Type 2 diabetes mellitus; Fanconi-Bickel syndrome. Last evaluated: 2024-02-14. Review status: criteria provided, single submitter. Criteria: ACMG Guidelines, 2015. Collection method: clinical testing. Allele origin: germline.

GeneDx
Classification: Pathogenic. Last evaluated: 2022-04-23. Review status: criteria provided, single submitter. Criteria: GeneDx Variant Classification Process June 2021. Collection method: clinical testing. Allele origin: germline. Affected: yes.
Comment: Not observed at significant frequency in large population cohorts (gnomAD); Canonical splice site variant predicted to result in a null allele in a gene for which loss of function is a known mechanism of disease; This variant is associated with the following publications: (PMID: 22865906)

Literature cited by the submitters: PubMed 16199547 (cited by Labcorp Genetics (formerly Invitae), Labcorp); PubMed 11810292 (cited by Labcorp Genetics (formerly Invitae), Labcorp); PubMed 22865906 (cited by Labcorp Genetics (formerly Invitae), Labcorp).